The following is an entry in ClinVar:

NM_182476.3(COQ6):c.134_161del (p.Leu45fs)

Gene: COQ6 (coenzyme Q6, monooxygenase; plus strand). Cytogenetic location: 14q24.3.
Variant type: Deletion.
Coding change: c.134_161del on transcript NM_182476.3 (MANE Select); coding-DNA positions 134 to 161, 28 bases deleted (TGGTGGGCGCTGCCATGGCCTGTGCCTT).
Protein change: p.Leu45fs; shifts the reading frame from leucine 45.
Molecular consequence: frameshift variant. On other transcripts: intron variant (4), 5 prime UTR variant (4).
Genome position (GRCh38, 1-based): chr14:73,950,466-73,950,493, TGGTGGGCGCTGCCATGGCCTGTGCCTT deleted. VCF-style (leftmost placement, unchanged base first): chr14-73950465-CTGGTGGGCGCTGCCATGGCCTGTGCCTT-C. GRCh37 (hg19) VCF-style: chr14-74417168-CTGGTGGGCGCTGCCATGGCCTGTGCCTT-C.
Other names: c.88+286_88+313del (NM_001425258.1, NM_182480.3); c.-4+286_-4+313del (NM_001425259.1, NM_001425261.1); c.134_161del, p.Leu45fs (NM_001425255.1, NM_001425256.1, NM_001425262.1); c.28_55del, p.Trp10fs (NM_001425257.1); c.-135_-108del (NM_001425260.1); c.-296_-269del (NM_001425263.1); c.-217_-190del (NM_001425264.1); c.-276_-249del (NM_001425265.1); short protein forms L45fs, W10fs.
Identifiers: ClinVar variation 4880820 (VCV004880820.2).

ClinVar aggregate classification (germline): Likely pathogenic (1 of 4 stars; one submission).

Submission:

Dasa
Classification: Likely pathogenic. Last evaluated: 2026-01-06. Review status: criteria provided, single submitter. Criteria: DASA Assertion Criteria. Collection method: clinical testing. Allele origin: germline.
Comment: NM_182476.3(COQ6):c.134_161del (p.Leu45Argfs*57) is a frameshift variant in COQ6 predicted to alter the reading frame and introduce a premature termination codon and is predicted to result in an absent or altered protein product. Loss of function is an established disease mechanism for COQ6-associated disorders. Also, this variant is rare in population databases. Based on the currently available evidence, this variant is classified as likely pathogenic.